The following is an entry in ClinVar:

NM_000036.3(AMPD1):c.53G>A (p.Arg18His)

Gene: AMPD1 (adenosine monophosphate deaminase 1; minus strand). Cytogenetic location: 1p13.2.
Variant type: single nucleotide variant.
Coding change: c.53G>A on transcript NM_000036.3 (MANE Select); coding-DNA position 53, G replaced by A.
Protein change: p.Arg18His; replaces arginine 18 with histidine.
Molecular consequence: missense variant.
Genome position (GRCh38, 1-based): chr1:114,688,723, C>T on the plus strand (G>A on the coding strand, the complement: AMPD1 is on the minus strand). VCF-style: chr1-114688723-C-T. GRCh37 (hg19) VCF-style: chr1-115231344-C-T.
Other names: c.152G>A (NM_000036.2); c.41G>A, p.Arg14His (NM_001172626.2); short protein forms R14H, R18H.
Identifiers: ClinVar variation 1512568 (VCV001512568.8), dbSNP rs140601541, ClinGen allele CA1020566.

ClinVar aggregate classification (germline): Uncertain significance. Review status: criteria provided, multiple submitters, no conflicts (2 of 4 stars). 3 submissions from 3 submitters: Uncertain significance (3). Last evaluated 2025-06-17.

Conditions:
Inborn genetic diseases. Identifiers: MedGen C0950123, MeSH D030342.
Muscle AMP deaminase deficiency (MMDD). Also called: Myoadenylate deaminase deficiency, myopathy due to; Adenosine monophosphate deaminase 1 deficiency; AMP deaminase 1 deficiency; Adenosine Monophosphate Deaminase 1; AMPD1 DEFICIENCY; ADENOSINE MONOPHOSPHATE DEAMINASE-1 DEFICIENCY, MYOPATHY DUE TO. Identifiers: Orphanet 45, MedGen C3714933, MONDO:0014220, OMIM 615511.

Allele frequency attached by ClinVar (database versions not stated): ExAC 0.00002; gnomAD exomes 0.00002; TOPMed 0.00002; gnomAD 0.00004 and 0.00005; ESP Exome Variant Server 0.00015; 1000 Genomes Project 30x 0.00016; 1000 Genomes Project 0.00020.
gnomAD v4.1: 22 of 1,614,180 alleles (0.0014%); highest among the groups gnomAD compares: East Asian, 0.0067%; no homozygotes.

Submissions (3):

Labcorp Genetics (formerly Invitae), Labcorp
Classification: Uncertain significance for Muscle AMP deaminase deficiency. Last evaluated: 2025-06-17. Review status: criteria provided, single submitter. Criteria: Invitae Variant Classification Sherloc (09022015). Collection method: clinical testing. Allele origin: germline.
Comment: This sequence change replaces arginine, which is basic and polar, with histidine, which is basic and polar, at codon 51 of the AMPD1 protein (p.Arg51His). The frequency data for this variant in the population databases is considered unreliable, as metrics indicate poor data quality at this position in the gnomAD database. This variant has not been reported in the literature in individuals affected with AMPD1-related conditions. ClinVar contains an entry for this variant (Variation ID: 1512568). An algorithm developed to predict the effect of missense changes on protein structure and function (PolyPhen-2) suggests that this variant is likely to be disruptive. In summary, the available evidence is currently insufficient to determine the role of this variant in disease. Therefore, it has been classified as a Variant of Uncertain Significance.

Ambry Genetics
Classification: Uncertain significance for Inborn genetic diseases. Last evaluated: 2024-01-30. Review status: criteria provided, single submitter. Criteria: Ambry Variant Classification Scheme 2023. Collection method: clinical testing. Allele origin: germline.

Revvity Omics, Revvity
Classification: Uncertain significance for Muscle AMP deaminase deficiency. Last evaluated: 2020-02-20. Review status: criteria provided, single submitter. Criteria: ACMG Guidelines, 2015. Collection method: clinical testing. Allele origin: germline.